The following is an entry in ClinVar:

NM_004946.3(DOCK2):c.360G>A (p.Met120Ile)

Gene: DOCK2 (dedicator of cytokinesis 2; plus strand). Cytogenetic location: 5q35.1.
Variant type: single nucleotide variant.
Coding change: c.360G>A on transcript NM_004946.3 (MANE Select); coding-DNA position 360, G replaced by A.
Protein change: p.Met120Ile; replaces methionine 120 with isoleucine.
Molecular consequence: missense variant. On other transcripts: non-coding transcript variant (1).
Genome position (GRCh38, 1-based): chr5:169,674,335, G>A. VCF-style: chr5-169674335-G-A. GRCh37 (hg19) VCF-style: chr5-169101339-G-A.
Other names: c.360G>A, p.Met120Ile (LRG_1227t1); short protein forms M120I.
Identifiers: ClinVar variation 662674 (VCV000662674.12), dbSNP rs752809346, ClinGen allele CA3553153.

ClinVar aggregate classification (germline): Uncertain significance. Review status: criteria provided, multiple submitters, no conflicts (2 of 4 stars). 3 submissions from 3 submitters: Uncertain significance (3). Last evaluated 2026-07-14.

Conditions:
Inborn genetic diseases. Identifiers: MedGen C0950123, MeSH D030342.
DOCK2-related disorder. Also called: DOCK2-related condition.
DOCK2 deficiency. Also called: Immunodeficiency 40. Identifiers: Orphanet 447737, MedGen C4225328, MONDO:0014637, OMIM 616433.

Allele frequency attached by ClinVar (database versions not stated): gnomAD exomes below 0.00001 and 0.00001; ExAC 0.00001; TOPMed 0.00001.

Submissions (3):

Ambry Genetics
Classification: Uncertain significance for Inborn genetic diseases. Last evaluated: 2026-07-14. Review status: criteria provided, single submitter. Criteria: Ambry Variant Classification Scheme 2023. Collection method: clinical testing. Allele origin: germline.

Labcorp Genetics (formerly Invitae), Labcorp
Classification: Uncertain significance for DOCK2 deficiency. Last evaluated: 2024-08-09. Review status: criteria provided, single submitter. Criteria: Invitae Variant Classification Sherloc (09022015). Collection method: clinical testing. Allele origin: germline.
Comment: This sequence change replaces methionine, which is neutral and non-polar, with isoleucine, which is neutral and non-polar, at codon 120 of the DOCK2 protein (p.Met120Ile). This variant is present in population databases (rs752809346, gnomAD 0.0009%). This variant has not been reported in the literature in individuals affected with DOCK2-related conditions. ClinVar contains an entry for this variant (Variation ID: 662674). An algorithm developed to predict the effect of missense changes on protein structure and function (PolyPhen-2) suggests that this variant is likely to be disruptive. In summary, the available evidence is currently insufficient to determine the role of this variant in disease. Therefore, it has been classified as a Variant of Uncertain Significance.

PreventionGenetics, part of Exact Sciences
Classification: Uncertain significance for DOCK2-related condition. Last evaluated: 2023-01-19. Review status: criteria provided, single submitter. Criteria: ACMG Guidelines, 2015. Collection method: clinical testing. Allele origin: germline.
Comment: The DOCK2 c.360G>A variant is predicted to result in the amino acid substitution p.Met120Ile. To our knowledge, this variant has not been reported in the literature. This variant is reported in 0.0062% of alleles in individuals of African descent in gnomAD. At this time, the clinical significance of this variant is uncertain due to the absence of conclusive functional and genetic evidence.